The following is an entry in ClinVar:

NM_014363.6(SACS):c.466_469del (p.Leu156fs)

Gene: SACS (sacsin molecular chaperone; minus strand). Cytogenetic location: 13q12.12.
Variant type: Microsatellite.
Coding change: c.466_469del on transcript NM_014363.6 (MANE Select); coding-DNA positions 466 to 469, 4 bases deleted (CTCT; older notation c.466_469delCTCT).
Protein change: p.Leu156fs; shifts the reading frame from leucine 156.
Molecular consequence: frameshift variant.
Genome position (GRCh38, 1-based): chr13:23,358,470-23,358,473, AGAG deleted on the plus strand (CTCT on the coding strand, the reverse complement: SACS is on the minus strand); deleting any 4 consecutive bases within chr13:23,358,470-23,358,475 gives the same sequence; the c. name uses the placement nearest the transcript's 3' end. VCF-style (leftmost placement, unchanged base first): chr13-23358469-TAGAG-T. GRCh37 (hg19) VCF-style: chr13-23932608-TAGAG-T.
Other names: c.25_28del, p.Leu9fs (NM_001278055.2); c.466_469del (NM_014363.5); short protein forms L156fs, L9fs.
Identifiers: ClinVar variation 2712286 (VCV002712286.5), dbSNP rs2542416178, ClinGen allele CA2697551659.

ClinVar aggregate classification (germline): Pathogenic/Likely pathogenic. Review status: criteria provided, multiple submitters, no conflicts (2 of 4 stars). 3 submissions from 3 submitters: Pathogenic (1); Likely pathogenic (2). Last evaluated 2024-06-27.

Conditions:
Charlevoix-Saguenay spastic ataxia (SACS). Also called: Spastic ataxia of Charlevoix-Saguenay; SPASTIC ATAXIA 6, AUTOSOMAL RECESSIVE; AUTOSOMAL RECESSIVE SPASTIC ATAXIA OF CHARLEVOIX-SAGUENAY. Identifiers: Orphanet 98, MedGen C1849140, MONDO:0010041, OMIM 270550.
Spastic paraplegia. Identifiers: MedGen C0037772, HP:0001258.

Submissions (3):

Natera, Inc.
Classification: Likely pathogenic for Charlevoix-Saguenay type spastic ataxia. Last evaluated: 2024-06-27. Review status: criteria provided, single submitter. Criteria: Natera Variant Classification Schema (03/2026). Collection method: clinical testing. Allele origin: germline.
Comment: The c.466_469del variant in SACS is a frameshift variant predicted to shift the reading frame beginning at codon 156 and leads to a stop codon 19 codons downstream. This variant is expected to result in nonsense mediated decay, truncation, or a dysfunctional protein product. This variant is rare in the general population with a frequency below the threshold expected for the associated phenotype(s). Given the available evidence, this variant is classified as Likely Pathogenic.

Baylor Genetics
Classification: Likely pathogenic for Charlevoix-Saguenay spastic ataxia. Last evaluated: 2024-02-09. Review status: criteria provided, single submitter. Criteria: ACMG Guidelines, 2015. Collection method: clinical testing. Allele origin: unknown.

Labcorp Genetics (formerly Invitae), Labcorp
Classification: Pathogenic for Spastic paraplegia. Last evaluated: 2023-11-20. Review status: criteria provided, single submitter. Criteria: Invitae Variant Classification Sherloc (09022015). Collection method: clinical testing. Allele origin: germline.
Comment: This sequence change creates a premature translational stop signal (p.Leu156Metfs*19) in the SACS gene. It is expected to result in an absent or disrupted protein product. Loss-of-function variants in SACS are known to be pathogenic (PMID: 18465152, 20876471). This variant is not present in population databases (gnomAD no frequency). This variant has not been reported in the literature in individuals affected with SACS-related conditions. For these reasons, this variant has been classified as Pathogenic.

Literature cited by the submitters: PubMed 18465152 (cited by Labcorp Genetics (formerly Invitae), Labcorp); PubMed 20876471 (cited by Labcorp Genetics (formerly Invitae), Labcorp).